The following is an entry in ClinVar:

NM_003126.4(SPTA1):c.3830G>A (p.Arg1277His)

Gene: SPTA1 (spectrin alpha, erythrocytic 1; minus strand). Cytogenetic location: 1q23.1.
Variant type: single nucleotide variant.
Coding change: c.3830G>A on transcript NM_003126.4 (MANE Select); coding-DNA position 3830, G replaced by A.
Protein change: p.Arg1277His; replaces arginine 1277 with histidine.
Molecular consequence: missense variant.
Genome position (GRCh38, 1-based): chr1:158,647,605, C>T on the plus strand (G>A on the coding strand, the complement: SPTA1 is on the minus strand). VCF-style: chr1-158647605-C-T. GRCh37 (hg19) VCF-style: chr1-158617395-C-T.
Other names: short protein forms R1277H.
Identifiers: ClinVar variation 1302330 (VCV001302330.5), dbSNP rs201407861, ClinGen allele CA1182922.

ClinVar aggregate classification (germline): Uncertain significance. Review status: criteria provided, multiple submitters, no conflicts (2 of 4 stars). 3 submissions from 3 submitters: Uncertain significance (3). Last evaluated 2024-02-21.

Allele frequency attached by ClinVar (database versions not stated): gnomAD 0.00003 and 0.00004; TOPMed 0.00003; gnomAD exomes 0.00005 and 0.00010; ExAC 0.00008; ESP Exome Variant Server 0.00008.
gnomAD v4.1: 142 of 1,613,760 alleles (0.0088%); highest among the groups gnomAD compares: Middle Eastern, 0.017%; no homozygotes.

Submissions (3):

Blueprint Genetics
Classification: Uncertain significance. Last evaluated: 2024-02-21. Review status: criteria provided, single submitter. Criteria: ACMG Guidelines, 2015. Collection method: clinical testing. Allele origin: germline.

Ambry Genetics
Classification: Uncertain significance. Last evaluated: 2021-08-12. Review status: criteria provided, single submitter. Criteria: Ambry Variant Classification Scheme 2023. Collection method: clinical testing. Allele origin: germline.

GeneDx
Classification: Uncertain significance. Last evaluated: 2019-12-30. Review status: criteria provided, single submitter. Criteria: GeneDx Variant Classification Process June 2021. Collection method: clinical testing. Allele origin: germline. Affected: yes.
Comment: Has not been previously published as pathogenic or benign to our knowledge; In silico analysis, which includes protein predictors and evolutionary conservation, supports that this variant does not alter protein structure/function